The following is an entry in ClinVar:

NM_004371.4(COPA):c.199G>A (p.Val67Ile)

Gene: COPA (coat protein complex I subunit alpha; minus strand). Cytogenetic location: 1q23.2.
Variant type: single nucleotide variant.
Coding change: c.199G>A on transcript NM_004371.4 (MANE Select); coding-DNA position 199, G replaced by A.
Protein change: p.Val67Ile; replaces valine 67 with isoleucine.
Molecular consequence: missense variant.
Genome position (GRCh38, 1-based): chr1:160,339,938, C>T on the plus strand (G>A on the coding strand, the complement: COPA is on the minus strand). VCF-style: chr1-160339938-C-T. GRCh37 (hg19) VCF-style: chr1-160309728-C-T.
Other names: c.199G>A, p.Val67Ile (NM_001098398.2); short protein forms V67I.
Identifiers: ClinVar variation 2487257 (VCV002487257.4), dbSNP rs2525475226, ClinGen allele CA343272720.
Genomic context (GRCh38, chr1:160,339,938, plus strand): 5'-TTTATTCTCAGTTATGACAGACCCTCTGTACCTTAATCTTATAGTCATCTCCTCCAGAGA[C>T]GAACAGTGGCTGCTGCTTATGGAAGTCAATGCCTCGCACTGGACCTGGTGGAGAAGGCAG-3'
Protein context (NP_004362.2, residues 57-77): IDFHKQQPLF[Val67Ile]SGGDDYKIKV

ClinVar aggregate classification (germline): Uncertain significance. Review status: criteria provided, multiple submitters, no conflicts (2 of 4 stars). 2 submissions from 2 submitters: Uncertain significance (2). Last evaluated 2024-12-24.

Conditions:
Autoimmune interstitial lung disease-arthritis syndrome. Also called: Autoinflammation and autoimmunity, systemic, with immune dysregulation. Identifiers: Orphanet 444092, MedGen C5975714, MONDO:0014629.
Inborn genetic diseases. Identifiers: MedGen C0950123, MeSH D030342.

Allele frequency attached by ClinVar (database versions not stated): gnomAD exomes below 0.00001.
gnomAD v4.1: 1 of 1,614,030 alleles (0.000062%); highest among the groups gnomAD compares: Non-Finnish European, 0.000085%; no homozygotes.

Submissions (2):

Labcorp Genetics (formerly Invitae), Labcorp
Classification: Uncertain significance for Autoimmune interstitial lung disease-arthritis syndrome. Last evaluated: 2024-12-24. Review status: criteria provided, single submitter. Criteria: Invitae Variant Classification Sherloc (09022015). Collection method: clinical testing. Allele origin: germline.
Comment: This sequence change replaces valine, which is neutral and non-polar, with isoleucine, which is neutral and non-polar, at codon 67 of the COPA protein (p.Val67Ile). This variant is not present in population databases (gnomAD no frequency). This variant has not been reported in the literature in individuals affected with COPA-related conditions. ClinVar contains an entry for this variant (Variation ID: 2487257). Invitae Evidence Modeling of protein sequence and biophysical properties (such as structural, functional, and spatial information, amino acid conservation, physicochemical variation, residue mobility, and thermodynamic stability) indicates that this missense variant is expected to disrupt COPA protein function with a positive predictive value of 80%. In summary, the available evidence is currently insufficient to determine the role of this variant in disease. Therefore, it has been classified as a Variant of Uncertain Significance.

Ambry Genetics
Classification: Uncertain significance for Inborn genetic diseases. Last evaluated: 2023-02-22. Review status: criteria provided, single submitter. Criteria: Ambry Variant Classification Scheme 2023. Collection method: clinical testing. Allele origin: germline.